The following is an entry in ClinVar:

ClinVar aggregate classification (germline): Uncertain significance. Review status: criteria provided, multiple submitters, no conflicts (2 of 4 stars). 3 submissions from 3 submitters: Uncertain significance (3). Last evaluated 2026-05-08.

Conditions:
OPA1-related disorder. Also called: OPA1-related disorders; OPA1-related condition.

Allele frequency attached by ClinVar (database versions not stated): ExAC 0.00002; TOPMed 0.00002; gnomAD 0.00005; ESP Exome Variant Server 0.00008.
gnomAD v4.1: 41 of 1,614,020 alleles (0.0025%); highest among the groups gnomAD compares: East Asian, 0.016%; 1 homozygote.

Submissions (3):

PreventionGenetics, part of Exact Sciences
Classification: Uncertain significance for OPA1-related condition. Last evaluated: 2026-05-08. Review status: criteria provided, single submitter. Criteria: ACMG Guidelines, 2015. Collection method: clinical testing. Allele origin: germline.
Comment: The OPA1 c.320C>T variant is predicted to result in the amino acid substitution p.Ser107Leu. To our knowledge, this variant has not been reported in individuals with OPA1-related disease. However, this variant was identified in an individual without autosomal dominant optic atrophy in a cohort of individuals with OPA1 variants (Xu et al. 2021. PubMed ID: 33884488). This variant is reported in 0.0065% of alleles in individuals of South Asian descent in gnomAD. Although we suspect that this variant may be benign, at this time, the clinical significance of this variant is uncertain due to the absence of conclusive functional and genetic evidence.

Labcorp Genetics (formerly Invitae), Labcorp
Classification: Uncertain significance. Last evaluated: 2025-09-28. Review status: criteria provided, single submitter. Criteria: Invitae Variant Classification Sherloc (09022015). Collection method: clinical testing. Allele origin: germline.
Comment: This sequence change replaces serine, which is neutral and polar, with leucine, which is neutral and non-polar, at codon 107 of the OPA1 protein (p.Ser107Leu). This variant is present in population databases (rs376643015, gnomAD 0.006%). This missense change has been observed in individual(s) with clinical features of OPA1-related conditions (PMID: 33884488). ClinVar contains an entry for this variant (Variation ID: 1906220). Invitae Evidence Modeling of protein sequence and biophysical properties (such as structural, functional, and spatial information, amino acid conservation, physicochemical variation, residue mobility, and thermodynamic stability) indicates that this missense variant is not expected to disrupt OPA1 protein function with a negative predictive value of 80%. In summary, the available evidence is currently insufficient to determine the role of this variant in disease. Therefore, it has been classified as a Variant of Uncertain Significance.

Blueprint Genetics
Classification: Uncertain significance. Last evaluated: 2022-07-15. Review status: criteria provided, single submitter. Criteria: ACMG Guidelines, 2015. Collection method: clinical testing. Allele origin: germline.

Literature cited by the submitters: PubMed 33884488 (cited by Labcorp Genetics (formerly Invitae), Labcorp).

NM_130837.3(OPA1):c.320C>T (p.Ser107Leu)

Gene: OPA1 (OPA1 mitochondrial dynamin like GTPase; plus strand). Cytogenetic location: 3q29.
Variant type: single nucleotide variant.
Coding change: c.320C>T on transcript NM_130837.3 (MANE Select); coding-DNA position 320, C replaced by T.
Protein change: p.Ser107Leu; replaces serine 107 with leucine.
Molecular consequence: missense variant. On other transcripts: 5 prime UTR variant (2).
Genome position (GRCh38, 1-based): chr3:193,615,010, C>T. VCF-style: chr3-193615010-C-T. GRCh37 (hg19) VCF-style: chr3-193332799-C-T.
Other names: c.-53C>T (NM_001354663.2, NM_001354664.2); c.320C>T, p.Ser107Leu (NM_015560.3, NM_130831.3, NM_130832.3 and 4 more transcripts); short protein forms S107L.
Identifiers: ClinVar variation 1906220 (VCV001906220.7), dbSNP rs376643015, ClinGen allele CA2758978.